The following is an entry in ClinVar:

NM_000183.3(HADHB):c.206C>G (p.Thr69Ser)

Gene: HADHB (hydroxyacyl-CoA dehydrogenase trifunctional multienzyme complex subunit beta; plus strand). Cytogenetic location: 2p23.3.
Variant type: single nucleotide variant.
Coding change: c.206C>G on transcript NM_000183.3 (MANE Select); coding-DNA position 206, C replaced by G.
Protein change: p.Thr69Ser; replaces threonine 69 with serine.
Molecular consequence: missense variant.
Genome position (GRCh38, 1-based): chr2:26,263,476, C>G. VCF-style: chr2-26263476-C-G. GRCh37 (hg19) VCF-style: chr2-26486344-C-G.
Other names: c.206C>G, p.Thr69Ser (NM_001281512.2); c.140C>G, p.Thr47Ser (NM_001281513.2); short protein forms T47S, T69S.
Identifiers: ClinVar variation 2079809 (VCV002079809.4), dbSNP rs1671944488, ClinGen allele CA346105179.

ClinVar aggregate classification (germline): Uncertain significance (1 of 4 stars; one submission).

Conditions:
Mitochondrial trifunctional protein deficiency. Identifiers: Orphanet 746, MedGen C1969443, MONDO:0012172.

Allele frequency attached by ClinVar (database versions not stated): TOPMed below 0.00001.

Submission:

Labcorp Genetics (formerly Invitae), Labcorp
Classification: Uncertain significance for Mitochondrial trifunctional protein deficiency. Last evaluated: 2022-07-19. Review status: criteria provided, single submitter. Criteria: Invitae Variant Classification Sherloc (09022015). Collection method: clinical testing. Allele origin: germline.
Comment: This sequence change replaces threonine, which is neutral and polar, with serine, which is neutral and polar, at codon 69 of the HADHB protein (p.Thr69Ser). This variant is not present in population databases (gnomAD no frequency). This variant has not been reported in the literature in individuals affected with HADHB-related conditions. Algorithms developed to predict the effect of missense changes on protein structure and function are either unavailable or do not agree on the potential impact of this missense change (SIFT: "Deleterious"; PolyPhen-2: "Probably Damaging"; Align-GVGD: "Class C0"). Algorithms developed to predict the effect of sequence changes on RNA splicing suggest that this variant may create or strengthen a splice site. In summary, the available evidence is currently insufficient to determine the role of this variant in disease. Therefore, it has been classified as a Variant of Uncertain Significance.